The following is an entry in ClinVar:

ClinVar aggregate classification (germline): Likely pathogenic. Review status: criteria provided, multiple submitters, no conflicts (2 of 4 stars). 2 submissions from 2 submitters: Likely pathogenic (2). Last evaluated 2022-10-01.

Conditions:
Propionic acidemia (PROP). Also called: GLYCINEMIA, KETOTIC; HYPERGLYCINEMIA WITH KETOACIDOSIS AND LEUKOPENIA; KETOTIC HYPERGLYCINEMIA. Identifiers: Orphanet 35, MedGen C0268579, MONDO:0011628, OMIM 606054, HP:0003571.

gnomAD v4.1: 1 of 1,604,096 alleles (0.000062%); highest among the groups gnomAD compares: East Asian, 0.0022%; no homozygotes.

Submissions (2):

Baylor Genetics
Classification: Likely pathogenic for Propionic acidemia. Last evaluated: 2022-10-01. Review status: criteria provided, single submitter. Criteria: ACMG Guidelines, 2015. Collection method: clinical testing. Allele origin: unknown.

Labcorp Genetics (formerly Invitae), Labcorp
Classification: Likely pathogenic for Propionic acidemia. Last evaluated: 2022-01-15. Review status: criteria provided, single submitter. Criteria: Invitae Variant Classification Sherloc (09022015). Collection method: clinical testing. Allele origin: germline.
Comment: This sequence change affects a donor splice site in intron 11 of the PCCA gene. It is expected to disrupt RNA splicing. Variants that disrupt the donor or acceptor splice site typically lead to a loss of protein function (PMID: 16199547), and loss-of-function variants in PCCA are known to be pathogenic (PMID: 15464417). This variant is not present in population databases (gnomAD no frequency). This variant has not been reported in the literature in individuals affected with PCCA-related conditions. Algorithms developed to predict the effect of sequence changes on RNA splicing suggest that this variant may disrupt the consensus splice site. In summary, the currently available evidence indicates that the variant is pathogenic, but additional data are needed to prove that conclusively. Therefore, this variant has been classified as Likely Pathogenic.

Literature cited by the submitters: PubMed 16199547 (cited by Labcorp Genetics (formerly Invitae), Labcorp); PubMed 15464417 (cited by Labcorp Genetics (formerly Invitae), Labcorp).

NM_000282.4(PCCA):c.914+1G>A

Gene: PCCA (propionyl-CoA carboxylase subunit alpha; plus strand). Cytogenetic location: 13q32.3.
Variant type: single nucleotide variant.
Coding change: c.914+1G>A on transcript NM_000282.4 (MANE Select); the canonical splice donor site of the intron after coding-DNA position 914, G replaced by A.
Molecular consequence: splice donor variant.
Genome position (GRCh38, 1-based): chr13:100,268,784, G>A. VCF-style: chr13-100268784-G-A. GRCh37 (hg19) VCF-style: chr13-100921038-G-A.
Other names: c.914+1G>A (NM_001178004.2, NM_001352605.2, NM_001352606.2 and 1 more transcripts); c.-32+1G>A (NM_001352610.2, NM_001352611.2, NM_001352612.2); c.836+1G>A (NM_001127692.3, NM_001352607.2, NM_001352608.2).
Identifiers: ClinVar variation 2084041 (VCV002084041.5), dbSNP rs1162998218, ClinGen allele CA388694661.